The following is an entry in ClinVar:

NM_000116.5(TAFAZZIN):c.284+36C>T

Gene: TAFAZZIN (tafazzin, phospholipid-lysophospholipid transacylase; plus strand). Cytogenetic location: Xq28.
Variant type: single nucleotide variant.
Coding change: c.284+36C>T on transcript NM_000116.5 (MANE Select); 36 bases into the intron after coding-DNA position 284, C replaced by T.
Molecular consequence: intron variant. On other transcripts: non-coding transcript variant (1).
Genome position (GRCh38, 1-based): chrX:154,413,288, C>T. VCF-style: chrX-154413288-C-T. GRCh37 (hg19) VCF-style: chrX-153641625-C-T.
Other names: c.338+36C>T (NM_001303465.2, NM_001410698.1); c.284+36C>T (NM_181312.4, NM_181311.4, NM_181313.4).
Identifiers: ClinVar variation 2661807 (VCV002661807.24), dbSNP rs369324030, ClinGen allele CA10562305.
Genomic context (GRCh38, chrX:154,413,288, plus strand): 5'-TCTGGAACCTGAAGTTGATGCGTTGGTGAGGAGGAATGGGCCCCTCGAAGTGGGCCGGGC[C>T]GGCCCCACCTGCCTCTGCCCAGATTTGCCCTCCTCCTGCTCTGCCCAGGAGGTGGCGTCC-3'

ClinVar aggregate classification (germline): Likely benign (1 of 4 stars; one submission).

Allele frequency attached by ClinVar (database versions not stated): ExAC 0.00047; TOPMed 0.00052; gnomAD exomes 0.00090; 1000 Genomes Project 30x 0.00021; 1000 Genomes Project 0.00026; ESP Exome Variant Server 0.00038; gnomAD 0.00044.
gnomAD v4.1: 1,017 of 1,207,374 alleles (0.084%); highest among the groups gnomAD compares: Non-Finnish European, 0.11%; no homozygotes.

Submission:

CeGaT Center for Human Genetics Tuebingen
Classification: Likely benign. Last evaluated: 2024-03-01. Review status: criteria provided, single submitter. Criteria: CeGaT Center For Human Genetics Tuebingen Variant Classification Criteria Version 2. Collection method: clinical testing. Allele origin: germline. Affected: yes. Observed: 2 variant alleles.
Comment: TAFAZZIN: BS2